The following is an entry in ClinVar:

NM_031220.4(PITPNM3):c.1774-77T>C

Gene: PITPNM3 (PITPNM family member 3; minus strand). Cytogenetic location: 17p13.2.
Variant type: single nucleotide variant.
Coding change: c.1774-77T>C on transcript NM_031220.4 (MANE Select); 77 bases into the intron before coding-DNA position 1774, T replaced by C.
Molecular consequence: intron variant.
Genome position (GRCh38, 1-based): chr17:6,468,418, A>G on the plus strand (T>C on the coding strand, the complement: PITPNM3 is on the minus strand). VCF-style: chr17-6468418-A-G. GRCh37 (hg19) VCF-style: chr17-6371738-A-G.
Other names: c.1666-77T>C (NM_001165966.2).
Identifiers: ClinVar variation 677207 (VCV000677207.2), dbSNP rs35021251, ClinGen allele CA14394413.

ClinVar aggregate classification (germline): Benign. Review status: criteria provided, multiple submitters, no conflicts (2 of 4 stars). 2 submissions from 2 submitters: Benign (2). Last evaluated 2018-06-14.

Allele frequency attached by ClinVar (database versions not stated): 1000 Genomes Project 0.25379; 1000 Genomes Project 30x 0.25453; TOPMed 0.33913; gnomAD 0.34758 and 0.35060; gnomAD exomes 0.42343.
gnomAD v4.1: 596,984 of 1,437,674 alleles (42%); highest among the groups gnomAD compares: Middle Eastern, 48%; 131,461 homozygotes.

Submissions (2):

GeneDx
Classification: Benign. Last evaluated: 2018-06-14. Review status: criteria provided, single submitter. Criteria: GeneDx Variant Classification (06012015). Collection method: clinical testing. Allele origin: germline. Affected: yes.
Comment: This variant is considered likely benign or benign based on one or more of the following criteria: it is a conservative change, it occurs at a poorly conserved position in the protein, it is predicted to be benign by multiple in silico algorithms, and/or has population frequency not consistent with disease.

Breakthrough Genomics
Classification: Benign. Review status: criteria provided, single submitter. Criteria: ACMG Guidelines, 2015. Collection method: not provided. Allele origin: germline. Inheritance: Autosomal dominant inheritance. Affected: yes.